The following is an entry in ClinVar:

NM_003356.4(UCP3):c.36C>T (p.Thr12=)

Gene: UCP3 (uncoupling protein 3; minus strand). Cytogenetic location: 11q13.4.
Variant type: single nucleotide variant.
Coding change: c.36C>T on transcript NM_003356.4 (MANE Select); coding-DNA position 36, C replaced by T.
Protein change: p.Thr12=; no amino-acid change (threonine 12 retained).
Molecular consequence: synonymous variant.
Genome position (GRCh38, 1-based): chr11:74,007,007, G>A on the plus strand (C>T on the coding strand, the complement: UCP3 is on the minus strand). VCF-style: chr11-74007007-G-A. GRCh37 (hg19) VCF-style: chr11-73718052-G-A.
Other names: c.36C>T, p.Thr12= (NM_022803.3).
Identifiers: ClinVar variation 3036436 (VCV003036436.2), dbSNP rs773606533, ClinGen allele CA6181666.

ClinVar aggregate classification (germline): Likely benign (0 of 4 stars; one submission).

Conditions:
UCP3-related disorder. Also called: UCP3-related condition.

Allele frequency attached by ClinVar (database versions not stated): gnomAD exomes 0.00002; ExAC 0.00004.

Submission:

PreventionGenetics, part of Exact Sciences
Classification: Likely benign for UCP3-related condition. Last evaluated: 2022-07-21. Review status: no assertion criteria provided. Collection method: clinical testing. Allele origin: germline.
Comment: This variant is classified as likely benign based on ACMG/AMP sequence variant interpretation guidelines (Richards et al. 2015 PMID: 25741868, with internal and published modifications).